The following is an entry in ClinVar:

ClinVar aggregate classification (germline): Uncertain significance (1 of 4 stars; one submission).

Allele frequency attached by ClinVar (database versions not stated): TOPMed 0.00001; gnomAD 0.00002; ExAC 0.00003.

Submission:

Labcorp Genetics (formerly Invitae), Labcorp
Classification: Uncertain significance. Last evaluated: 2022-10-17. Review status: criteria provided, single submitter. Criteria: Invitae Variant Classification Sherloc (09022015). Collection method: clinical testing. Allele origin: germline.
Comment: This sequence change replaces glutamic acid, which is acidic and polar, with lysine, which is basic and polar, at codon 24 of the BLOC1S3 protein (p.Glu24Lys). The frequency data for this variant in the population databases is considered unreliable, as metrics indicate poor data quality at this position in the gnomAD database. This variant has not been reported in the literature in individuals affected with BLOC1S3-related conditions. ClinVar contains an entry for this variant (Variation ID: 1388168). Algorithms developed to predict the effect of missense changes on protein structure and function (SIFT, PolyPhen-2, Align-GVGD) all suggest that this variant is likely to be disruptive. In summary, the available evidence is currently insufficient to determine the role of this variant in disease. Therefore, it has been classified as a Variant of Uncertain Significance.

NM_212550.5(BLOC1S3):c.70G>A (p.Glu24Lys)

Gene: BLOC1S3 (biogenesis of lysosomal organelles complex 1 subunit 3; plus strand). Cytogenetic location: 19q13.32.
Variant type: single nucleotide variant.
Coding change: c.70G>A on transcript NM_212550.5 (MANE Select); coding-DNA position 70, G replaced by A.
Protein change: p.Glu24Lys; replaces glutamic acid 24 with lysine.
Molecular consequence: missense variant.
Genome position (GRCh38, 1-based): chr19:45,179,366, G>A. VCF-style: chr19-45179366-G-A. GRCh37 (hg19) VCF-style: chr19-45682624-G-A.
Other names: short protein forms E24K.
Identifiers: ClinVar variation 1388168 (VCV001388168.5), dbSNP rs758300364, ClinGen allele CA9510206.